The following is an entry in ClinVar:

NM_014028.4(OSTM1):c.350C>T (p.Pro117Leu)

Gene: OSTM1 (osteoclastogenesis associated transmembrane protein 1; minus strand). Cytogenetic location: 6q21.
Variant type: single nucleotide variant.
Coding change: c.350C>T on transcript NM_014028.4 (MANE Select); coding-DNA position 350, C replaced by T.
Protein change: p.Pro117Leu; replaces proline 117 with leucine.
Molecular consequence: missense variant.
Genome position (GRCh38, 1-based): chr6:108,074,302, G>A on the plus strand (C>T on the coding strand, the complement: OSTM1 is on the minus strand). VCF-style: chr6-108074302-G-A. GRCh37 (hg19) VCF-style: chr6-108395506-G-A.
Other names: c.350C>T (NM_014028.3); short protein forms P117L.
Identifiers: ClinVar variation 3699102 (VCV003699102.2).
Genomic context (GRCh38, chr6:108,074,302, plus strand): 5'-GTACCCACCCCCGCGGCTCGGCTGATGTTGTCCATCTTGCTGACGACCTGTTGGAAGAGG[G>A]GGTAGCAGGTCTGACAGAGGCGCACGGGCCGGGCGCTGCGCACCAGACACCCTGTCAGCT-3'
Protein context (NP_054747.2, residues 107-127): RPVRLCQTCY[Pro117Leu]LFQQVVSKMD

ClinVar aggregate classification (germline): Uncertain significance. Review status: criteria provided, multiple submitters, no conflicts (2 of 4 stars). 2 submissions from 2 submitters: Uncertain significance (2). Last evaluated 2025-12-04.

Conditions:
Inborn genetic diseases. Identifiers: MedGen C0950123, MeSH D030342.

gnomAD v4.1: 1 of 1,612,420 alleles (0.000062%); highest among the groups gnomAD compares: Non-Finnish European, 0.000085%; no homozygotes.

Submissions (2):

Ambry Genetics
Classification: Uncertain significance for Inborn genetic diseases. Last evaluated: 2025-12-04. Review status: criteria provided, single submitter. Criteria: Ambry Variant Classification Scheme 2023. Collection method: clinical testing. Allele origin: germline.

Labcorp Genetics (formerly Invitae), Labcorp
Classification: Uncertain significance. Last evaluated: 2024-10-16. Review status: criteria provided, single submitter. Criteria: Invitae Variant Classification Sherloc (09022015). Collection method: clinical testing. Allele origin: germline.
Comment: This sequence change replaces proline, which is neutral and non-polar, with leucine, which is neutral and non-polar, at codon 117 of the OSTM1 protein (p.Pro117Leu). This variant is not present in population databases (gnomAD no frequency). This variant has not been reported in the literature in individuals affected with OSTM1-related conditions. Invitae Evidence Modeling of protein sequence and biophysical properties (such as structural, functional, and spatial information, amino acid conservation, physicochemical variation, residue mobility, and thermodynamic stability) indicates that this missense variant is not expected to disrupt OSTM1 protein function with a negative predictive value of 80%. In summary, the available evidence is currently insufficient to determine the role of this variant in disease. Therefore, it has been classified as a Variant of Uncertain Significance.